The following is an entry in ClinVar:

NM_006393.3(NEBL):c.1612G>T (p.Val538Leu)

Gene: NEBL (nebulette; minus strand). Cytogenetic location: 10p12.31.
Variant type: single nucleotide variant.
Coding change: c.1612G>T on transcript NM_006393.3 (MANE Select); coding-DNA position 1612, G replaced by T.
Protein change: p.Val538Leu; replaces valine 538 with leucine.
Molecular consequence: missense variant. On other transcripts: intron variant (9).
Genome position (GRCh38, 1-based): chr10:20,831,255, C>A on the plus strand (G>T on the coding strand, the complement: NEBL is on the minus strand). VCF-style: chr10-20831255-C-A. GRCh37 (hg19) VCF-style: chr10-21120184-C-A.
Other names: c.250-18315G>T (NM_001377326.1, NM_001377327.1, NM_001377328.1); c.358-18315G>T (NM_213569.2, NM_001173484.2, NM_001377322.1); c.301-18315G>T (NM_001377324.1); c.292-18315G>T (NM_001377325.1); c.310-18315G>T (NM_001377323.1); short protein forms V538L.
Identifiers: ClinVar variation 1776428 (VCV001776428.4), dbSNP rs75324054, ClinGen allele CA5432805.

ClinVar aggregate classification (germline): Uncertain significance. Review status: criteria provided, multiple submitters, no conflicts (2 of 4 stars). 2 submissions from 2 submitters: Uncertain significance (2). Last evaluated 2024-07-16.

Conditions:
Primary dilated cardiomyopathy (DCM). Also called: Dilated Cardiomyopathy. Identifiers: Orphanet 217604, MedGen C0007193, MeSH D002311, MONDO:0005021, HP:0001644. Inheritance: Various modes of inheritance.

Allele frequency attached by ClinVar (database versions not stated): 1000 Genomes Project 30x 0.00031; 1000 Genomes Project 0.00040.
gnomAD v4.1: 67 of 1,613,596 alleles (0.0042%); highest among the groups gnomAD compares: East Asian, 0.14%; 1 homozygote.

Submissions (2):

Labcorp Genetics (formerly Invitae), Labcorp
Classification: Uncertain significance for Primary dilated cardiomyopathy. Last evaluated: 2024-07-16. Review status: criteria provided, single submitter. Criteria: Invitae Variant Classification Sherloc (09022015). Collection method: clinical testing. Allele origin: germline.
Comment: This sequence change replaces valine, which is neutral and non-polar, with leucine, which is neutral and non-polar, at codon 538 of the NEBL protein (p.Val538Leu). This variant is present in population databases (rs75324054, gnomAD 0.03%). This variant has not been reported in the literature in individuals affected with NEBL-related conditions. ClinVar contains an entry for this variant (Variation ID: 1776428). An algorithm developed to predict the effect of missense changes on protein structure and function (PolyPhen-2) suggests that this variant is likely to be tolerated. In summary, the available evidence is currently insufficient to determine the role of this variant in disease. Therefore, it has been classified as a Variant of Uncertain Significance.

Ambry Genetics
Classification: Uncertain significance. Last evaluated: 2022-03-03. Review status: criteria provided, single submitter. Criteria: Ambry Variant Classification Scheme 2023. Collection method: clinical testing. Allele origin: germline.
Comment: The p.V538L variant (also known as c.1612G>T), located in coding exon 16 of the NEBL gene, results from a G to T substitution at nucleotide position 1612. The valine at codon 538 is replaced by leucine, an amino acid with highly similar properties. This amino acid position is conserved. In addition, this alteration is predicted to be tolerated by in silico analysis. Since supporting evidence is limited at this time, the clinical significance of this alteration remains unclear.